The following is an entry in ClinVar:

NM_139281.3(WDR36):c.689G>A (p.Arg230His)

Gene: WDR36 (WD repeat domain 36; plus strand). Cytogenetic location: 5q22.1.
Variant type: single nucleotide variant.
Coding change: c.689G>A on transcript NM_139281.3 (MANE Select); coding-DNA position 689, G replaced by A.
Protein change: p.Arg230His; replaces arginine 230 with histidine.
Molecular consequence: missense variant.
Genome position (GRCh38, 1-based): chr5:111,103,877, G>A. VCF-style: chr5-111103877-G-A. GRCh37 (hg19) VCF-style: chr5-110439576-G-A.
Other names: short protein forms R230H.
Identifiers: ClinVar variation 2548349 (VCV002548349.4), dbSNP rs201733427, ClinGen allele CA3365390.

ClinVar aggregate classification (germline): Uncertain significance. Review status: criteria provided, multiple submitters, no conflicts (2 of 4 stars). 2 submissions from 2 submitters: Uncertain significance (2). Last evaluated 2025-07-31.

Conditions:
WDR36-related disorder. Also called: WDR36-related condition.

Allele frequency attached by ClinVar (database versions not stated): gnomAD 0.00003; ExAC 0.00005; TOPMed 0.00008; 1000 Genomes Project 30x 0.00016; 1000 Genomes Project 0.00020.
gnomAD v4.1: 40 of 1,611,142 alleles (0.0025%); highest among the groups gnomAD compares: East Asian, 0.027%; no homozygotes.

Submissions (2):

PreventionGenetics, part of Exact Sciences
Classification: Uncertain significance for WDR36-related condition. Last evaluated: 2025-07-31. Review status: criteria provided, single submitter. Criteria: ACMG Guidelines, 2015. Collection method: clinical testing. Allele origin: germline.
Comment: The WDR36 c.857G>A variant is predicted to result in the amino acid substitution p.Arg286His. To our knowledge, this variant has not been reported in the literature. This variant is present in 0.070% of alleles in individuals of East Asian descent in gnomAD, which may be too frequent to be a primary cause of disease. Although we suspect that this variant may be benign, at this time, the clinical significance of this variant is uncertain due to the absence of conclusive functional and genetic evidence.

Ambry Genetics
Classification: Uncertain significance. Last evaluated: 2025-06-07. Review status: criteria provided, single submitter. Criteria: Ambry Variant Classification Scheme 2023. Collection method: clinical testing. Allele origin: germline.